The following is an entry in ClinVar:

ClinVar aggregate classification (germline): Benign (1 of 4 stars; one submission).

Conditions:
Tuberous sclerosis 2 (TSC2). Identifiers: Orphanet 805, MedGen C1860707, MONDO:0013199, OMIM 613254.

gnomAD v4.1: 3 of 1,610,170 alleles (0.00019%); highest among the groups gnomAD compares: Non-Finnish European, 0.00025%; no homozygotes.

Submission:

Myriad Genetics, Inc.
Classification: Benign for Tuberous sclerosis 2. Last evaluated: 2025-05-20. Review status: criteria provided, single submitter. Criteria: Myriad Autosomal Dominant, Autosomal Recessive and X-Linked Classification Criteria (2023). Collection method: clinical testing. Allele origin: unknown.
Comment: This variant is considered benign. This variant is a silent/synonymous amino acid change and it is not expected to impact splicing.

NM_000548.5(TSC2):c.2541G>T (p.Leu847=)

Gene: TSC2 (TSC complex subunit 2; plus strand). Cytogenetic location: 16p13.3.
Variant type: single nucleotide variant.
Coding change: c.2541G>T on transcript NM_000548.5 (MANE Select); coding-DNA position 2541, G replaced by T.
Protein change: p.Leu847=; no amino-acid change (leucine 847 retained).
Molecular consequence: synonymous variant. On other transcripts: non-coding transcript variant (5).
Genome position (GRCh38, 1-based): chr16:2,074,385, G>T. VCF-style: chr16-2074385-G-T. GRCh37 (hg19) VCF-style: chr16-2124386-G-T.
Other names: c.2541G>T, p.Leu847= (NM_021055.3, NM_001077183.3, NM_001114382.3 and 6 more transcripts); c.1197G>T, p.Leu399= (NM_001406694.1, NM_001406695.1, NM_001406696.1 and 6 more transcripts); c.939G>T, p.Leu313= (NM_001406698.1); c.2430G>T, p.Leu810= (NM_001318827.2, NM_001406670.1, NM_001406678.1); c.2394G>T, p.Leu798= (NM_001318829.2, NM_001406675.1, NM_001406676.1 and 1 more transcripts); c.1941G>T, p.Leu647= (NM_001318831.2, NM_001406680.1, NM_001406682.1 and 6 more transcripts); c.2574G>T, p.Leu858= (NM_001318832.2); c.2631G>T, p.Leu877= (NM_001406667.1, NM_001406668.1); and 3 more.
Identifiers: ClinVar variation 4071153 (VCV004071153.1).